The following is an entry in ClinVar:

ClinVar aggregate classification (germline): Uncertain significance. Review status: criteria provided, multiple submitters, no conflicts (2 of 4 stars). 2 submissions from 2 submitters: Uncertain significance (2). Last evaluated 2024-10-17.

Conditions:
Inborn genetic diseases. Identifiers: MedGen C0950123, MeSH D030342.

Allele frequency attached by ClinVar (database versions not stated): ExAC 0.00002; gnomAD exomes 0.00002 and 0.00003; ESP Exome Variant Server 0.00008; gnomAD 0.00014 and 0.00015; TOPMed 0.00038.
gnomAD v4.1: 67 of 1,613,910 alleles (0.0042%); highest among the groups gnomAD compares: Admixed American, 0.047%; no homozygotes.

Submissions (2):

Labcorp Genetics (formerly Invitae), Labcorp
Classification: Uncertain significance. Last evaluated: 2024-10-17. Review status: criteria provided, single submitter. Criteria: Invitae Variant Classification Sherloc (09022015). Collection method: clinical testing. Allele origin: germline.
Comment: This sequence change replaces arginine, which is basic and polar, with glutamine, which is neutral and polar, at codon 436 of the NARS2 protein (p.Arg436Gln). This variant is present in population databases (rs146549914, gnomAD 0.006%). This variant has not been reported in the literature in individuals affected with NARS2-related conditions. ClinVar contains an entry for this variant (Variation ID: 1350289). Invitae Evidence Modeling of protein sequence and biophysical properties (such as structural, functional, and spatial information, amino acid conservation, physicochemical variation, residue mobility, and thermodynamic stability) indicates that this missense variant is not expected to disrupt NARS2 protein function with a negative predictive value of 80%. In summary, the available evidence is currently insufficient to determine the role of this variant in disease. Therefore, it has been classified as a Variant of Uncertain Significance.

Ambry Genetics
Classification: Uncertain significance for Inborn genetic diseases. Last evaluated: 2024-09-30. Review status: criteria provided, single submitter. Criteria: Ambry Variant Classification Scheme 2023. Collection method: clinical testing. Allele origin: germline.

NM_024678.6(NARS2):c.1307G>A (p.Arg436Gln)

Gene: NARS2 (asparaginyl-tRNA synthetase 2, mitochondrial; minus strand). Cytogenetic location: 11q14.1.
Variant type: single nucleotide variant.
Coding change: c.1307G>A on transcript NM_024678.6 (MANE Select); coding-DNA position 1307, G replaced by A.
Protein change: p.Arg436Gln; replaces arginine 436 with glutamine.
Molecular consequence: missense variant.
Genome position (GRCh38, 1-based): chr11:78,436,797, C>T on the plus strand (G>A on the coding strand, the complement: NARS2 is on the minus strand). VCF-style: chr11-78436797-C-T. GRCh37 (hg19) VCF-style: chr11-78147843-C-T.
Other names: c.626G>A, p.Arg209Gln (NM_001243251.2); c.1307G>A (NM_024678.5); short protein forms R209Q, R436Q.
Identifiers: ClinVar variation 1350289 (VCV001350289.6), dbSNP rs146549914, ClinGen allele CA6205489.
Genomic context (GRCh38, chr11:78,436,797, plus strand): 5'-ATGCACTGCAGGTAGCGTTCAAATCCCATCCCAAAACCTCCATGTGGCACAGATCCAAAT[C>T]GACGAAGGTCCAGATACCTGTTTTTCAAAAATAGAAAATCATCATCTATATATAGTATAA-3'
Protein context (NP_078954.4, residues 426-446): EVYQWYLDLR[Arg436Gln]FGSVPHGGFG